The following is an entry in ClinVar:

ClinVar aggregate classification (germline): Likely benign (1 of 4 stars; one submission).

Conditions:
Paroxysmal nonkinesigenic dyskinesia 1 (PNKD1). Also called: DYSTONIA 8; PAROXYSMAL DYSTONIC CHOREOATHETOSIS; PxMD-PNKD; Familial Paroxysmal Nonkinesigenic Dyskinesia; Nonkinesigenic choreoathetosis; Familial paroxysmal choreoathetosis. Identifiers: Orphanet 98810, MedGen C4551506, MONDO:0700089, OMIM 118800, MONDO:0007326.

Submission:

Centre for Medical Genetics,  Mumbai
Classification: Likely benign for Paroxysmal nonkinesigenic dyskinesia 1. Last evaluated: 2026-03-26. Review status: criteria provided, single submitter. Criteria: ACMG Guidelines, 2015. Collection method: provider interpretation. Allele origin: germline. Inheritance: Autosomal dominant inheritance. Affected: no. Observed: 1 variant allele, 1 heterozygote.
Comment: The variant satisfies PM2 criteria; Extremely low frequency in gnomAD population databases. However, the variant satisfies BS2 criteria.

Literature cited by the submitters: PubMed 15496428.

NM_015488.5(PNKD):c.568G>C (p.Asp190His)

Genes: CATIP-AS2 (CATIP antisense RNA 2; minus strand), PNKD (PNKD metallo-beta-lactamase domain containing; plus strand). Cytogenetic location: 2q35.
Variant type: single nucleotide variant.
Coding change: c.568G>C on transcript NM_015488.5 (MANE Select); coding-DNA position 568, G replaced by C.
Protein change: p.Asp190His; replaces aspartic acid 190 with histidine.
Molecular consequence: missense variant.
Genome position (GRCh38, 1-based): chr2:218,341,577, G>C. VCF-style: chr2-218341577-G-C. GRCh37 (hg19) VCF-style: chr2-219206300-G-C.
Other names: c.496G>C, p.Asp166His (NM_022572.5); short protein forms D166H, D190H.
Identifiers: ClinVar variation 4820044 (VCV004820044.1).